The following is an entry in ClinVar:

NM_000632.4(ITGAM):c.3190C>A (p.Leu1064Ile)

Gene: ITGAM (integrin subunit alpha M; plus strand). Cytogenetic location: 16p11.2.
Variant type: single nucleotide variant.
Coding change: c.3190C>A on transcript NM_000632.4 (MANE Select); coding-DNA position 3190, C replaced by A.
Protein change: p.Leu1064Ile; replaces leucine 1064 with isoleucine.
Molecular consequence: missense variant.
Genome position (GRCh38, 1-based): chr16:31,330,519, C>A. VCF-style: chr16-31330519-C-A. GRCh37 (hg19) VCF-style: chr16-31341840-C-A.
Other names: c.3193C>A, p.Leu1065Ile (NM_001145808.2); short protein forms L1064I, L1065I.
Identifiers: ClinVar variation 1524962 (VCV001524962.6), dbSNP rs2144509663, ClinGen allele CA395702846.
Genomic context (GRCh38, chr16:31,330,519, plus strand): 5'-GGTGCTCAGGGCCCAGGTGCAGTGCCCACCCGCTCTCTTCCACAGACCTCGCATAACCAC[C>A]TCCTGATCGTGAGCACAGCTGAGATCTTGTTTAACGATTCCGTGTTCACCCTGCTGCCGG-3'
Protein context (NP_000623.2, residues 1054-1074): DWYIKTSHNH[Leu1064Ile]LIVSTAEILF

ClinVar aggregate classification (germline): Uncertain significance (1 of 4 stars; one submission).

Submission:

Labcorp Genetics (formerly Invitae), Labcorp
Classification: Uncertain significance. Last evaluated: 2024-02-19. Review status: criteria provided, single submitter. Criteria: Invitae Variant Classification Sherloc (09022015). Collection method: clinical testing. Allele origin: germline.
Comment: This sequence change replaces leucine, which is neutral and non-polar, with isoleucine, which is neutral and non-polar, at codon 1064 of the ITGAM protein (p.Leu1064Ile). This variant is not present in population databases (gnomAD no frequency). This variant has not been reported in the literature in individuals affected with ITGAM-related conditions. ClinVar contains an entry for this variant (Variation ID: 1524962). Algorithms developed to predict the effect of missense changes on protein structure and function output the following: SIFT: "Not Available"; PolyPhen-2: "Benign"; Align-GVGD: "Not Available". The isoleucine amino acid residue is found in multiple mammalian species, which suggests that this missense change does not adversely affect protein function. In summary, the available evidence is currently insufficient to determine the role of this variant in disease. Therefore, it has been classified as a Variant of Uncertain Significance.